The following is an entry in ClinVar:

NM_033310.3(KCNK4):c.992C>T (p.Pro331Leu)

Genes: KCNK4 (potassium two pore domain channel subfamily K member 4; plus strand), KCNK4-CATSPERZ (KCNK4-CATSPERZ readthrough (NMD candidate); plus strand). Cytogenetic location: 11q13.1.
Variant type: single nucleotide variant.
Coding change: c.992C>T on transcript NM_033310.3 (MANE Select); coding-DNA position 992, C replaced by T.
Protein change: p.Pro331Leu; replaces proline 331 with leucine.
Molecular consequence: missense variant. On other transcripts: non-coding transcript variant (3).
Genome position (GRCh38, 1-based): chr11:64,299,536, C>T. VCF-style: chr11-64299536-C-T. GRCh37 (hg19) VCF-style: chr11-64067008-C-T.
Other names: c.992C>T, p.Pro331Leu (NM_001317090.2); c.992C>T (NM_033310.2); short protein forms P331L.
Identifiers: ClinVar variation 1427942 (VCV001427942.9), dbSNP rs768144352, ClinGen allele CA6073232.

ClinVar aggregate classification (germline): Conflicting classifications of pathogenicity. Review status: criteria provided, conflicting classifications (1 of 4 stars). 3 submissions from 3 submitters: Uncertain significance (1); Benign (1); Likely benign (1). Last evaluated 2026-06-01.

Allele frequency attached by ClinVar (database versions not stated): gnomAD 0.00001; ExAC 0.00004; TOPMed 0.00005.
gnomAD v4.1: 23 of 1,610,004 alleles (0.0014%); highest among the groups gnomAD compares: Admixed American, 0.032%; no homozygotes.

Submissions (3):

CeGaT Center for Human Genetics Tuebingen
Classification: Likely benign. Last evaluated: 2026-06-01. Review status: criteria provided, single submitter. Criteria: CeGaT Center For Human Genetics Tuebingen Variant Classification Criteria Version 2. Collection method: clinical testing. Allele origin: germline. Affected: yes. Observed: 1 variant allele.
Comment: KCNK4: BS2

Labcorp Genetics (formerly Invitae), Labcorp
Classification: Benign. Last evaluated: 2025-12-13. Review status: criteria provided, single submitter. Criteria: Invitae Variant Classification Sherloc (09022015). Collection method: clinical testing. Allele origin: germline.

Ambry Genetics
Classification: Uncertain significance. Last evaluated: 2024-01-08. Review status: criteria provided, single submitter. Criteria: Ambry Variant Classification Scheme 2023. Collection method: clinical testing. Allele origin: germline.